The following is an entry in ClinVar:

NM_139027.6(ADAMTS13):c.1058C>T (p.Pro353Leu)

Gene: ADAMTS13 (ADAM metallopeptidase with thrombospondin type 1 motif 13; plus strand). Cytogenetic location: 9q34.2.
Variant type: single nucleotide variant.
Coding change: c.1058C>T on transcript NM_139027.6 (MANE Select); coding-DNA position 1058, C replaced by T.
Protein change: p.Pro353Leu; replaces proline 353 with leucine.
Molecular consequence: missense variant. On other transcripts: non-coding transcript variant (1).
Genome position (GRCh38, 1-based): chr9:133,432,658, C>T. VCF-style: chr9-133432658-C-T. GRCh37 (hg19) VCF-style: chr9-136297779-C-T.
Other names: c.1058C>T (NM_139025.4); c.1058C>T, p.Pro353Leu (NM_139025.5); c.965C>T, p.Pro322Leu (NM_139026.6); short protein forms P353L, P322L.
Identifiers: ClinVar variation 68800 (VCV000068800.7), dbSNP rs281875338, ClinGen allele CA219977.

ClinVar aggregate classification (germline): Pathogenic/Likely pathogenic. Review status: criteria provided, multiple submitters, no conflicts (2 of 4 stars). 5 submissions from 5 submitters: Pathogenic (1); Likely pathogenic (3). 1 of the submissions does not count toward it. Last evaluated 2025-04-25.

Conditions:
Upshaw-Schulman syndrome (TTP). Also called: THROMBOTIC THROMBOCYTOPENIC PURPURA, HEREDITARY; Congenital thrombotic thrombocytopenic purpura. Identifiers: Orphanet 93583, MedGen C1268935, MONDO:0010122, OMIM 274150.

Allele frequency attached by ClinVar (database versions not stated): TOPMed 0.00001; gnomAD 0.00001 and 0.00002; gnomAD exomes 0.00003.

Submissions (5):

Mayo Clinic Laboratories, Mayo Clinic
Classification: Pathogenic. Last evaluated: 2025-04-25. Review status: criteria provided, single submitter. Criteria: ACMG Guidelines, 2015. Collection method: clinical testing. Allele origin: germline. Observed: 1 variant allele.
Comment: PM2_supporting, PM3, PS3, PS4

Fulgent Genetics
Classification: Likely pathogenic for Upshaw-Schulman syndrome. Last evaluated: 2024-06-17. Review status: criteria provided, single submitter. Criteria: ACMG Guidelines, 2015. Collection method: clinical testing. Allele origin: germline.

MVZ Medizinische Genetik Mainz
Classification: Likely pathogenic for Upshaw-Schulman syndrome. Last evaluated: 2023-09-05. Review status: criteria provided, single submitter. Criteria: UK Practice Guidelines For Variant Classification V4 01 2020. Collection method: clinical testing. Allele origin: germline. Inheritance: Autosomal recessive inheritance. Affected: yes. Observed: 1 variant allele.
Comment: ACMG Criteria: PS3,PM3_STR,PM2_SUP

Labcorp Genetics (formerly Invitae), Labcorp
Classification: Likely pathogenic. Last evaluated: 2023-04-28. Review status: criteria provided, single submitter. Criteria: Invitae Variant Classification Sherloc (09022015). Collection method: clinical testing. Allele origin: germline.
Comment: In summary, the currently available evidence indicates that the variant is pathogenic, but additional data are needed to prove that conclusively. Therefore, this variant has been classified as Likely Pathogenic. Experimental studies have shown that this missense change affects ADAMTS13 function (PMID: 17627784, 29554699, 32365113). Advanced modeling of protein sequence and biophysical properties (such as structural, functional, and spatial information, amino acid conservation, physicochemical variation, residue mobility, and thermodynamic stability) performed at Invitae indicates that this missense variant is expected to disrupt ADAMTS13 protein function. ClinVar contains an entry for this variant (Variation ID: 68800). This missense change has been observed in individual(s) with thrombotic thrombocytopenic purpura (PMID: 12393505, 17187257). In at least one individual the data is consistent with being in trans (on the opposite chromosome) from a pathogenic variant. This variant is present in population databases (rs281875338, gnomAD 0.002%). This sequence change replaces proline, which is neutral and non-polar, with leucine, which is neutral and non-polar, at codon 353 of the ADAMTS13 protein (p.Pro353Leu).

UniProtKB/Swiss-Prot
No classification provided. Review status: no classification provided. Collection method: not provided. Allele origin: not provided. Not counted in ClinVar's aggregate classification.

Literature cited by the submitters: PubMed 12393505 (cited by Mayo Clinic Laboratories, Mayo Clinic and Labcorp Genetics (formerly Invitae), Labcorp); PubMed 12753286 (cited by Mayo Clinic Laboratories, Mayo Clinic); PubMed 17187257 (cited by Mayo Clinic Laboratories, Mayo Clinic and Labcorp Genetics (formerly Invitae), Labcorp); PubMed 17627784 (cited by Mayo Clinic Laboratories, Mayo Clinic and Labcorp Genetics (formerly Invitae), Labcorp); PubMed 26352112 (cited by Mayo Clinic Laboratories, Mayo Clinic); PubMed 29554699 (cited by Mayo Clinic Laboratories, Mayo Clinic and Labcorp Genetics (formerly Invitae), Labcorp); PubMed 32365113 (cited by Mayo Clinic Laboratories, Mayo Clinic and Labcorp Genetics (formerly Invitae), Labcorp); PubMed 37816989 (cited by Mayo Clinic Laboratories, Mayo Clinic).